The following is an entry in ClinVar:

ClinVar aggregate classification (germline): Uncertain significance. Review status: criteria provided, multiple submitters, no conflicts (2 of 4 stars). 2 submissions from 2 submitters: Uncertain significance (2). Last evaluated 2025-08-24.

Conditions:
Inborn genetic diseases. Identifiers: MedGen C0950123, MeSH D030342.

Allele frequency attached by ClinVar (database versions not stated): gnomAD 0.00001; gnomAD exomes 0.00003; TOPMed 0.00005.
gnomAD v4.1: 40 of 1,177,602 alleles (0.0034%); highest among the groups gnomAD compares: Non-Finnish European, 0.0038%; no homozygotes.

Submissions (2):

Ambry Genetics
Classification: Uncertain significance for Inborn genetic diseases. Last evaluated: 2025-08-24. Review status: criteria provided, single submitter. Criteria: Ambry Variant Classification Scheme 2023. Collection method: clinical testing. Allele origin: germline.

Labcorp Genetics (formerly Invitae), Labcorp
Classification: Uncertain significance. Last evaluated: 2023-02-07. Review status: criteria provided, single submitter. Criteria: Invitae Variant Classification Sherloc (09022015). Collection method: clinical testing. Allele origin: germline.
Comment: In summary, the available evidence is currently insufficient to determine the role of this variant in disease. Therefore, it has been classified as a Variant of Uncertain Significance. Advanced modeling of protein sequence and biophysical properties (such as structural, functional, and spatial information, amino acid conservation, physicochemical variation, residue mobility, and thermodynamic stability) performed at Invitae indicates that this missense variant is expected to disrupt POLA1 protein function. This variant has not been reported in the literature in individuals affected with POLA1-related conditions. The frequency data for this variant in the population databases is considered unreliable, as metrics indicate poor data quality at this position in the gnomAD database. This sequence change replaces arginine, which is basic and polar, with histidine, which is basic and polar, at codon 834 of the POLA1 protein (p.Arg834His).

NM_001330360.2(POLA1):c.2519G>A (p.Arg840His)

Gene: POLA1 (DNA polymerase alpha 1, catalytic subunit; plus strand). Cytogenetic location: Xp22.11.
Variant type: single nucleotide variant.
Coding change: c.2519G>A on transcript NM_001330360.2 (MANE Select); coding-DNA position 2519, G replaced by A.
Protein change: p.Arg840His; replaces arginine 840 with histidine.
Molecular consequence: missense variant. On other transcripts: non-coding transcript variant (2).
Genome position (GRCh38, 1-based): chrX:24,743,282, G>A. VCF-style: chrX-24743282-G-A. GRCh37 (hg19) VCF-style: chrX-24761399-G-A.
Other names: c.2444G>A, p.Arg815His (NM_001378303.1); c.2501G>A, p.Arg834His (NM_016937.4); c.2501G>A (NM_016937.3); short protein forms R834H, R815H, R840H.
Identifiers: ClinVar variation 2794025 (VCV002794025.4), dbSNP rs1444009042, ClinGen allele CA412537221.